The following is an entry in ClinVar:

ClinVar aggregate classification (germline): Likely pathogenic (1 of 4 stars; one submission).

Allele frequency attached by ClinVar (database versions not stated): gnomAD exomes 0.00001.

Submission:

Labcorp Genetics (formerly Invitae), Labcorp
Classification: Likely pathogenic. Last evaluated: 2025-10-29. Review status: criteria provided, single submitter. Criteria: Invitae Variant Classification Sherloc (09022015). Collection method: clinical testing. Allele origin: germline.
Comment: This variant results in the deletion of part of exon 10 (c.1279_1297+3del) of the BMP1 gene. It is expected to disrupt RNA splicing. Variants that disrupt the donor or acceptor splice site typically lead to a loss of protein function (PMID: 16199547), and loss-of-function variants in BMP1 are known to be pathogenic (PMID: 25656619, 27576954, 28257626). This variant is not present in population databases (gnomAD no frequency). This variant has not been reported in the literature in individuals affected with BMP1-related conditions. ClinVar contains an entry for this variant (Variation ID: 2898861). In summary, the currently available evidence indicates that the variant is pathogenic, but additional data are needed to prove that conclusively. Therefore, this variant has been classified as Likely Pathogenic.

Literature cited by the submitters: PubMed 16199547; PubMed 25656619; PubMed 27576954; PubMed 28257626.

NM_006129.5(BMP1):c.1279_1297+3del

Gene: BMP1 (bone morphogenetic protein 1; plus strand). Cytogenetic location: 8p21.3.
Variant type: Deletion.
Coding change: c.1279_1297+3del on transcript NM_006129.5 (MANE Select); coding-DNA position 1279 through 3 bases into the intron after coding-DNA position 1297, 22 bases deleted (TTCTTTGCAGTCTACGAAGGTA).
Molecular consequence: splice donor variant.
Genome position (GRCh38, 1-based): chr8:22,194,156-22,194,177, TTCTTTGCAGTCTACGAAGGTA deleted. VCF-style (leftmost placement, unchanged base first): chr8-22194155-CTTCTTTGCAGTCTACGAAGGTA-C. GRCh37 (hg19) VCF-style: chr8-22051668-CTTCTTTGCAGTCTACGAAGGTA-C.
Other names: c.1279_1297+3del (NM_001199.4).
Identifiers: ClinVar variation 2898861 (VCV002898861.3), dbSNP rs2539010215, ClinGen allele CA2686443693.